The following is an entry in ClinVar:

ClinVar aggregate classification (germline): Uncertain significance (1 of 4 stars; one submission).

Conditions:
TTC8-related disorder. Also called: TTC8-related condition.

Submission:

PreventionGenetics, part of Exact Sciences
Classification: Uncertain significance for TTC8-related condition. Last evaluated: 2026-01-05. Review status: criteria provided, single submitter. Criteria: ACMG Guidelines, 2015. Collection method: clinical testing. Allele origin: germline.
Comment: The TTC8 c.649A>T variant is predicted to result in the amino acid substitution p.Asn217Tyr. To our knowledge, this variant has not been reported in the literature or in a large population database (gnomAD), indicating this variant is rare. This variant corresponds to a deep intronic position in an alternate transcript for this gene (NM_198310; c.504+2802A>T). At this time, the clinical significance of this variant is uncertain due to the absence of conclusive functional and genetic evidence.

NM_144596.4(TTC8):c.624+2802A>T

Gene: TTC8 (tetratricopeptide repeat domain 8; plus strand). Cytogenetic location: 14q31.3.
Variant type: single nucleotide variant.
Coding change: c.624+2802A>T on transcript NM_144596.4 (MANE Select); 2802 bases into the intron after coding-DNA position 624, A replaced by T.
Molecular consequence: intron variant. On other transcripts: missense variant (1).
Genome position (GRCh38, 1-based): chr14:88,846,652, A>T. VCF-style: chr14-88846652-A-T. GRCh37 (hg19) VCF-style: chr14-89312996-A-T.
Other names: c.649A>T, p.Asn217Tyr (NM_001288781.1); c.30+5095A>T (NM_001288782.1); c.594+2802A>T (NM_198309.3, NM_001366535.2); c.-153-196A>T (NM_001288783.1); c.504+2802A>T (NM_198310.3, NM_001366536.2); short protein forms N217Y.
Identifiers: ClinVar variation 4984701 (VCV004984701.1).